The following is an entry in ClinVar:

NM_004526.4(MCM2):c.2633_2634del (p.Ser878fs)

Genes: MCM2 (minichromosome maintenance complex component 2; plus strand), LOC107986126 (uncharacterized LOC107986126; minus strand). Cytogenetic location: 3q21.3.
Variant type: Microsatellite.
Coding change: c.2633_2634del on transcript NM_004526.4 (MANE Select); coding-DNA positions 2633 to 2634, 2 bases deleted (CT; older notation c.2633_2634delCT).
Protein change: p.Ser878fs; shifts the reading frame from serine 878.
Molecular consequence: frameshift variant. On other transcripts: non-coding transcript variant (1).
Genome position (GRCh38, 1-based): chr3:127,621,691-127,621,692, CT deleted; deleting any 2 consecutive bases within chr3:127,621,687-127,621,692 gives the same sequence; the c. name uses the placement nearest the transcript's 3' end. VCF-style (leftmost placement, unchanged base first): chr3-127621686-CCT-C. GRCh37 (hg19) VCF-style: chr3-127340529-CCT-C.
Other names: short protein forms S878fs.
Identifiers: ClinVar variation 4759896 (VCV004759896.1).

ClinVar aggregate classification (germline): Uncertain significance (1 of 4 stars; one submission).

Submission:

Labcorp Genetics (formerly Invitae), Labcorp
Classification: Uncertain significance. Last evaluated: 2025-06-17. Review status: criteria provided, single submitter. Criteria: Invitae Variant Classification Sherloc (09022015). Collection method: clinical testing. Allele origin: germline.
Comment: This sequence change creates a premature translational stop signal (p.Ser878Cysfs*4) in the MCM2 gene. While this is not anticipated to result in nonsense mediated decay, it is expected to disrupt the last 27 amino acid(s) of the MCM2 protein. This variant is present in population databases (no rsID available, gnomAD 0.0009%). This variant has not been reported in the literature in individuals affected with MCM2-related conditions. Experimental studies and prediction algorithms are not available or were not evaluated, and the functional significance of this variant is currently unknown. In summary, the available evidence is currently insufficient to determine the role of this variant in disease. Therefore, it has been classified as a Variant of Uncertain Significance.